The following is an entry in ClinVar:

ClinVar aggregate classification (germline): Pathogenic (1 of 4 stars; one submission).

Conditions:
Spastic paraplegia. Identifiers: MedGen C0037772, HP:0001258.

Submission:

Labcorp Genetics (formerly Invitae), Labcorp
Classification: Pathogenic for Spastic paraplegia. Last evaluated: 2022-03-11. Review status: criteria provided, single submitter. Criteria: Invitae Variant Classification Sherloc (09022015). Collection method: clinical testing. Allele origin: germline.
Comment: For these reasons, this variant has been classified as Pathogenic. This variant disrupts a region of the SACS protein in which other variant(s) (p.Tyr4538*) have been determined to be pathogenic (Invitae). This suggests that this is a clinically significant region of the protein, and that variants that disrupt it are likely to be disease-causing. This premature translational stop signal has been observed in individual(s) with SACS-related conditions (PMID: 30460542). This variant is not present in population databases (gnomAD no frequency). This sequence change creates a premature translational stop signal (p.Gln1011Tyrfs*9) in the SACS gene. While this is not anticipated to result in nonsense mediated decay, it is expected to disrupt the last 3569 amino acid(s) of the SACS protein.

Literature cited by the submitters: PubMed 30460542.

NM_014363.6(SACS):c.3029_3030insTTAC (p.Gln1011fs)

Gene: SACS (sacsin molecular chaperone; minus strand). Cytogenetic location: 13q12.12.
Variant type: Insertion.
Coding change: c.3029_3030insTTAC on transcript NM_014363.6 (MANE Select); coding-DNA positions 3029 to 3030, TTAC inserted.
Protein change: p.Gln1011fs; shifts the reading frame from glutamine 1011.
Molecular consequence: frameshift variant.
Genome position: GRCh38 VCF-style: chr13-23340846-T-TGTAA. GRCh37 (hg19) VCF-style: chr13-23914985-T-TGTAA.
Other names: c.2588_2589insTTAC, p.Gln864fs (NM_001278055.2); short protein forms Q864fs, Q1011fs.
Identifiers: ClinVar variation 2159519 (VCV002159519.4), dbSNP rs2542302296, ClinGen allele CA2580086811.